The following is an entry in ClinVar:

NC_000012.12:g.(?_132676084)_(132677729_?)del

Gene: POLE (DNA polymerase epsilon, catalytic subunit; minus strand). Cytogenetic location: 12q24.33.
Variant type: Deletion.
Identifiers: ClinVar variation 3244408 (VCV003244408.1).

ClinVar aggregate classification (germline): Pathogenic (1 of 4 stars; one submission).

Submission:

Labcorp Genetics (formerly Invitae), Labcorp
Classification: Pathogenic. Last evaluated: 2023-02-14. Review status: criteria provided, single submitter. Criteria: Invitae Variant Classification Sherloc (09022015). Collection method: clinical testing. Allele origin: unknown.
Comment: This variant is a gross deletion of the genomic region encompassing exon(s) 7-10 of the POLE gene. This deletion is out-of-frame, and is expected to create a premature termination codon and result in an absent or disrupted protein product. Loss-of-function variants in POLE are known to be pathogenic (PMID: 23230001, 25948378, 30503519). This variant has not been reported in the literature in individuals affected with POLE-related conditions. For these reasons, this variant has been classified as Pathogenic.

Literature cited by the submitters: PubMed 23230001; PubMed 25948378; PubMed 30503519.